The following is an entry in ClinVar:

ClinVar aggregate classification (germline): Uncertain significance. Review status: criteria provided, multiple submitters, no conflicts (2 of 4 stars). 2 submissions from 2 submitters: Uncertain significance (2). Last evaluated 2022-03-04.

Conditions:
Cardiovascular phenotype. Identifiers: MedGen CN230736.

Submissions (2):

Ambry Genetics
Classification: Uncertain significance for Cardiovascular phenotype. Last evaluated: 2022-03-04. Review status: criteria provided, single submitter. Criteria: Ambry Variant Classification Scheme 2023. Collection method: clinical testing. Allele origin: germline.
Comment: The p.N661S variant (also known as c.1982A>G), located in coding exon 16 of the BRAF gene, results from an A to G substitution at nucleotide position 1982. The asparagine at codon 661 is replaced by serine, an amino acid with highly similar properties. This amino acid position is conserved. In addition, this alteration is predicted to be tolerated by in silico analysis. Since supporting evidence is limited at this time, the clinical significance of this alteration remains unclear.

Blueprint Genetics
Classification: Uncertain significance. Last evaluated: 2021-11-19. Review status: criteria provided, single submitter. Criteria: ACMG Guidelines, 2015. Collection method: clinical testing. Allele origin: germline.

NM_004333.6(BRAF):c.1982A>G (p.Asn661Ser)

Gene: BRAF (B-Raf proto-oncogene, serine/threonine kinase; minus strand). Cytogenetic location: 7q34.
Variant type: single nucleotide variant.
Coding change: c.1982A>G on transcript NM_004333.6 (MANE Select); coding-DNA position 1982, A replaced by G.
Protein change: p.Asn661Ser; replaces asparagine 661 with serine.
Molecular consequence: missense variant.
Genome position (GRCh38, 1-based): chr7:140,749,297, T>C on the plus strand (A>G on the coding strand, the complement: BRAF is on the minus strand). VCF-style: chr7-140749297-T-C. GRCh37 (hg19) VCF-style: chr7-140449097-T-C.
Other names: c.1982A>G, p.Asn661Ser (NM_001354609.2, NM_001378468.1, NM_001378474.1); c.2102A>G, p.Asn701Ser (NM_001374244.1, NM_001374258.1); c.1991A>G, p.Asn664Ser (NM_001378467.1); c.1916A>G, p.Asn639Ser (NM_001378469.1); c.1880A>G, p.Asn627Ser (NM_001378470.1); c.1871A>G, p.Asn624Ser (NM_001378471.1); c.1826A>G, p.Asn609Ser (NM_001378472.1, NM_001378473.1); c.1718A>G, p.Asn573Ser (NM_001378475.1); short protein forms N624S, N627S, N664S, N573S, N609S, N661S, N639S, N701S.
Identifiers: ClinVar variation 1783829 (VCV001783829.3), dbSNP rs2128994308, ClinGen allele CA369540421.